The following is an entry in ClinVar:

NM_017837.4(PIGV):c.1339C>A (p.Gln447Lys)

Gene: PIGV (phosphatidylinositol glycan anchor biosynthesis class V; plus strand). Cytogenetic location: 1p36.11.
Variant type: single nucleotide variant.
Coding change: c.1339C>A on transcript NM_017837.4 (MANE Select); coding-DNA position 1339, C replaced by A.
Protein change: p.Gln447Lys; replaces glutamine 447 with lysine.
Molecular consequence: missense variant. On other transcripts: non-coding transcript variant (2).
Genome position (GRCh38, 1-based): chr1:26,797,701, C>A. VCF-style: chr1-26797701-C-A. GRCh37 (hg19) VCF-style: chr1-27124192-C-A.
Other names: c.1339C>A, p.Gln447Lys (NM_001202554.2, NM_001374478.1, NM_001374480.1 and 2 more transcripts); c.958C>A, p.Gln320Lys (NM_001374483.1); c.712C>A, p.Gln238Lys (NM_001374484.1, NM_001374485.1); c.217C>A, p.Gln73Lys (NM_001374486.1); short protein forms Q73K, Q320K, Q447K, Q238K.
Identifiers: ClinVar variation 3571621 (VCV003571621.1).

ClinVar aggregate classification (germline): Uncertain significance (1 of 4 stars; one submission).

Submission:

Athena Diagnostics
Classification: Uncertain significance. Last evaluated: 2024-10-16. Review status: criteria provided, single submitter. Criteria: Athena Diagnostics Criteria. Collection method: clinical testing. Allele origin: unknown.
Comment: Available data are insufficient to determine the clinical significance of the variant at this time. This variant has not been reported in large, multi-ethnic general populations. Polyphen and MutationTaster predict this amino acid change may be benign.